The following is an entry in ClinVar:

NM_152296.5(ATP1A3):c.24G>T (p.Lys8Asn)

Gene: ATP1A3 (ATPase Na+/K+ transporting subunit alpha 3; minus strand). Cytogenetic location: 19q13.2.
Variant type: single nucleotide variant.
Coding change: c.24G>T on transcript NM_152296.5 (MANE Select); coding-DNA position 24, G replaced by T.
Protein change: p.Lys8Asn; replaces lysine 8 with asparagine.
Molecular consequence: missense variant.
Genome position (GRCh38, 1-based): chr19:41,988,545, C>A on the plus strand (G>T on the coding strand, the complement: ATP1A3 is on the minus strand). VCF-style: chr19-41988545-C-A. GRCh37 (hg19) VCF-style: chr19-42492697-C-A.
Other names: c.57G>T, p.Lys19Asn (NM_001256213.2); c.63G>T, p.Lys21Asn (NM_001256214.2); short protein forms K19N, K21N, K8N.
Identifiers: ClinVar variation 2840605 (VCV002840605.3), dbSNP rs2145984204, ClinGen allele CA406057978.
Genomic context (GRCh38, chr19:41,988,545, plus strand): 5'-CTCCTTCTTGAGGTCATCCAGGTCCCGGCGCTCCTTGCCCTTGTTCTTCTTGGGTGAGTC[C>A]TTGTCATCTTTCTTGTCCTGCGAGGTGGCGATACGATAGCTGTCAGAGCCACCAGACTGC-3'
Protein context (NP_689509.1, residues 1-18): MGDKKDD[Lys8Asn]DSPKKNKGKE

ClinVar aggregate classification (germline): Uncertain significance (1 of 4 stars; one submission).

Conditions:
Dystonia 12 (DYT12). Also called: Rapid-Onset Dystonia-Parkinsonism (RDP); DYT-ATP1A3. Identifiers: Orphanet 71517, MedGen C1868681, MONDO:0007496, OMIM 128235.

Submission:

Labcorp Genetics (formerly Invitae), Labcorp
Classification: Uncertain significance for Dystonia 12. Last evaluated: 2023-02-24. Review status: criteria provided, single submitter. Criteria: Invitae Variant Classification Sherloc (09022015). Collection method: clinical testing. Allele origin: germline.
Comment: Advanced modeling of protein sequence and biophysical properties (such as structural, functional, and spatial information, amino acid conservation, physicochemical variation, residue mobility, and thermodynamic stability) performed at Invitae indicates that this missense variant is not expected to disrupt ATP1A3 protein function. In summary, the available evidence is currently insufficient to determine the role of this variant in disease. Therefore, it has been classified as a Variant of Uncertain Significance. This variant has not been reported in the literature in individuals affected with ATP1A3-related conditions. This variant is not present in population databases (gnomAD no frequency). This sequence change replaces lysine, which is basic and polar, with asparagine, which is neutral and polar, at codon 8 of the ATP1A3 protein (p.Lys8Asn).